The following is an entry in ClinVar:

ClinVar aggregate classification (germline): Likely pathogenic. Review status: criteria provided, multiple submitters, no conflicts (2 of 4 stars). 2 submissions from 2 submitters: Likely pathogenic (2). Last evaluated 2025-09-04.

Conditions:
Autosomal dominant Alport syndrome (ATS3A). Also called: Alport syndrome dominant type; Renal failure and sensorineural hearing loss; ALPORT SYNDROME 3A, AUTOSOMAL DOMINANT. Identifiers: Orphanet 63, Orphanet 88918, MedGen C5882663, MONDO:0007086, OMIM 104200.
Hematuria, benign familial, 2 (BFH2). Identifiers: MedGen C5830421, MONDO:0958186, OMIM 620320.
Alport syndrome 3b, autosomal recessive. Identifiers: MedGen C5882699, MONDO:0957811, OMIM 620536.
Alport syndrome. Also called: Hemorrhagic familial nephritis; Hemorrhagic hereditary nephritis; Congenital hereditary hematuria. Identifiers: Orphanet 63, MedGen C1567741, MONDO:0018965.

gnomAD v4.1: 1 of 1,610,612 alleles (0.000062%); highest among the groups gnomAD compares: Admixed American, 0.0017%; no homozygotes.

Submissions (2):

Natera, Inc.
Classification: Likely pathogenic for Alport syndrome. Last evaluated: 2025-09-04. Review status: criteria provided, single submitter. Criteria: Natera Variant Classification Schema (03/2026). Collection method: clinical testing. Allele origin: germline.
Comment: The c.3409G>A variant in COL4A3 is a missense variant predicted to cause substitution of glycine to serine at amino acid 1137. This variant is rare in the general population with a frequency below the threshold expected for the associated phenotype(s). This variant is located in a functionally critical region of the protein. Computational prediction algorithms indicate this variant is likely to affect gene or protein function. Given the available evidence, this variant is classified as Likely Pathogenic.

Fulgent Genetics
Classification: Likely pathogenic for Autosomal dominant Alport syndrome; Hematuria, benign familial, 2; Alport syndrome 3b, autosomal recessive. Last evaluated: 2024-05-13. Review status: criteria provided, single submitter. Criteria: ACMG Guidelines, 2015. Collection method: clinical testing. Allele origin: germline.

NM_000091.5(COL4A3):c.3409G>A (p.Gly1137Ser)

Genes: COL4A3 (collagen type IV alpha 3 chain; plus strand), MFF-DT (MFF divergent transcript; minus strand). Cytogenetic location: 2q36.3.
Variant type: single nucleotide variant.
Coding change: c.3409G>A on transcript NM_000091.5 (MANE Select); coding-DNA position 3409, G replaced by A.
Protein change: p.Gly1137Ser; replaces glycine 1137 with serine.
Molecular consequence: missense variant.
Genome position (GRCh38, 1-based): chr2:227,294,561, G>A. VCF-style: chr2-227294561-G-A. GRCh37 (hg19) VCF-style: chr2-228159277-G-A.
Other names: short protein forms G1137S.
Identifiers: ClinVar variation 3586108 (VCV003586108.2).
Genomic context (GRCh38, chr2:227,294,561, plus strand): 5'-CCTCATGGTGATTTGGGTTTTAAAGGAATCAAAGGCCTCCTGGGCCCTCCAGGAATCAGA[G>A]GCCCTCCAGGTTTCATTTTTGTACTTTCTCTTTTTCCTTTTCATGTGGGAGACACATTTT-3'
Protein context (NP_000082.2, residues 1127-1147): KGLLGPPGIR[Gly1137Ser]PPGLPGFPGS